The following is an entry in ClinVar:

ClinVar aggregate classification (germline): Uncertain significance (1 of 4 stars; one submission).

Conditions:
Autoimmune lymphoproliferative syndrome type 2B. Also called: AUTOIMMUNE LYMPHOPROLIFERATIVE SYNDROME, TYPE IIB. Identifiers: Orphanet 275517, MedGen C1846545, MONDO:0011804, OMIM 607271.

gnomAD v4.1: 1 of 1,611,812 alleles (0.000062%); highest among the groups gnomAD compares: South Asian, 0.0011%; no homozygotes.

Submission:

Labcorp Genetics (formerly Invitae), Labcorp
Classification: Uncertain significance for Autoimmune lymphoproliferative syndrome type 2B. Last evaluated: 2021-12-19. Review status: criteria provided, single submitter. Criteria: Invitae Variant Classification Sherloc (09022015). Collection method: clinical testing. Allele origin: germline.
Comment: This sequence change affects codon 102 of the CASP8 mRNA. It is a 'silent' change, meaning that it does not change the encoded amino acid sequence of the CASP8 protein. It affects a nucleotide within the consensus splice site. In summary, the available evidence is currently insufficient to determine the role of this variant in disease. Therefore, it has been classified as a Variant of Uncertain Significance. Algorithms developed to predict the effect of sequence changes on RNA splicing suggest that this variant is not likely to affect RNA splicing. This variant has not been reported in the literature in individuals affected with CASP8-related conditions. This variant is not present in population databases (gnomAD no frequency).

NM_001372051.1(CASP8):c.306-2006G>A

Gene: CASP8 (caspase 8; plus strand). Cytogenetic location: 2q33.1.
Variant type: single nucleotide variant.
Coding change: c.306-2006G>A on transcript NM_001372051.1 (MANE Select); 2006 bases into the intron before coding-DNA position 306, G replaced by A.
Molecular consequence: intron variant. On other transcripts: synonymous variant (1).
Genome position (GRCh38, 1-based): chr2:201,269,510, G>A. VCF-style: chr2-201269510-G-A. GRCh37 (hg19) VCF-style: chr2-202134233-G-A.
Other names: c.306G>A, p.Arg102= (NM_001228.5); c.306-2006G>A (NM_001400651.1, NM_001400663.1, NM_001400657.1 and 20 more transcripts); c.-227-2006G>A (NM_001400677.1, NM_001400750.1, NM_001400751.1 and 6 more transcripts); c.-4-2006G>A (NM_001400669.1); c.-306-2006G>A (NM_001400680.1); c.483-2006G>A (NM_001080125.2, NM_001400642.1, NM_001400665.1); c.-408-2006G>A (NM_001400674.1).
Identifiers: ClinVar variation 2049504 (VCV002049504.4), dbSNP rs2470002601, ClinGen allele CA2580065426.